The following is an entry in ClinVar:

NM_000083.3(CLCN1):c.2778C>A (p.Ser926=)

Gene: CLCN1 (chloride voltage-gated channel 1; plus strand). Cytogenetic location: 7q34.
Variant type: single nucleotide variant.
Coding change: c.2778C>A on transcript NM_000083.3 (MANE Select); coding-DNA position 2778, C replaced by A.
Protein change: p.Ser926=; no amino-acid change (serine 926 retained).
Molecular consequence: synonymous variant. On other transcripts: non-coding transcript variant (1).
Genome position (GRCh38, 1-based): chr7:143,351,776, C>A. VCF-style: chr7-143351776-C-A. GRCh37 (hg19) VCF-style: chr7-143048869-C-A.
Identifiers: ClinVar variation 1999418 (VCV001999418.4), dbSNP rs1212563556, ClinGen allele CA458542596.

ClinVar aggregate classification (germline): Uncertain significance (1 of 4 stars; one submission).

Conditions:
Congenital myotonia, autosomal recessive form. Also called: BECKER DISEASE; Becker Generalized Myotonia; myotonia congenita, autosomal recessive. Identifiers: Orphanet 614, MedGen C0751360, MONDO:0009715, OMIM 255700.
Congenital myotonia, autosomal dominant form (THD). Also called: THOMSEN DISEASE; Myotonia congenita autosomal dominant. Identifiers: Orphanet 614, MedGen C2936781, MONDO:0008055, OMIM 160800.

Allele frequency attached by ClinVar (database versions not stated): gnomAD 0.00001.
gnomAD v4.1: 2 of 1,614,028 alleles (0.00012%); highest among the groups gnomAD compares: Admixed American, 0.0033%; no homozygotes.

Submission:

Labcorp Genetics (formerly Invitae), Labcorp
Classification: Uncertain significance for Congenital myotonia, autosomal recessive form; Congenital myotonia, autosomal dominant form. Last evaluated: 2022-05-27. Review status: criteria provided, single submitter. Criteria: Invitae Variant Classification Sherloc (09022015). Collection method: clinical testing. Allele origin: germline.
Comment: In summary, the available evidence is currently insufficient to determine the role of this variant in disease. Therefore, it has been classified as a Variant of Uncertain Significance. Algorithms developed to predict the effect of sequence changes on RNA splicing suggest that this variant may create or strengthen a splice site. This variant has not been reported in the literature in individuals affected with CLCN1-related conditions. This variant is present in population databases (no rsID available, gnomAD 0.003%). This sequence change affects codon 926 of the CLCN1 mRNA. It is a 'silent' change, meaning that it does not change the encoded amino acid sequence of the CLCN1 protein.